The following is an entry in ClinVar:

ClinVar aggregate classification (germline): Uncertain significance (1 of 4 stars; one submission).

gnomAD v4.1: 1 of 1,612,116 alleles (0.000062%); highest among the groups gnomAD compares: Non-Finnish European, 0.000085%; no homozygotes.

Submission:

Ambry Genetics
Classification: Uncertain significance. Last evaluated: 2025-09-14. Review status: criteria provided, single submitter. Criteria: Ambry Variant Classification Scheme 2023. Collection method: clinical testing. Allele origin: germline.
Comment: The p.L1362V variant (also known as c.4084C>G), located in coding exon 19 of the WNK2 gene, results from a C to G substitution at nucleotide position 4084. The leucine at codon 1362 is replaced by valine, an amino acid with highly similar properties. This amino acid position is conserved. In addition, this alteration is predicted to be tolerated by in silico analysis. Based on the available evidence, the clinical significance of this variant remains unclear.

NM_006648.4(WNK2):c.4084C>G (p.Leu1362Val)

Gene: WNK2 (WNK lysine deficient protein kinase 2; plus strand). Cytogenetic location: 9q22.31.
Variant type: single nucleotide variant.
Coding change: c.4084C>G on transcript NM_006648.4 (MANE Select); coding-DNA position 4084, C replaced by G.
Protein change: p.Leu1362Val; replaces leucine 1362 with valine.
Molecular consequence: missense variant.
Genome position (GRCh38, 1-based): chr9:93,288,838, C>G. VCF-style: chr9-93288838-C-G. GRCh37 (hg19) VCF-style: chr9-96051120-C-G.
Other names: c.4195C>G, p.Leu1399Val (NM_001282394.3); short protein forms L1399V, L1362V.
Identifiers: ClinVar variation 4201912 (VCV004201912.1).
Genomic context (GRCh38, chr9:93,288,838, plus strand): 5'-TTTCTTCTAGATTCAGCGCCCTATAAAGACCAGCTGTCCTCGAAGGAACAACCCAGCTTT[C>G]TAGCCAGTCAGCAGCTCCTGAGCCAGGCGGGCCCCAGCAACCCTCCTGGGGCACCCCCAG-3'
Protein context (NP_006639.3, residues 1352-1372): QLSSKEQPSF[Leu1362Val]ASQQLLSQAG